The following is an entry in ClinVar:

NM_018943.3(TUBA8):c.1168C>T (p.Arg390Cys)

Gene: TUBA8 (tubulin alpha 8; plus strand). Cytogenetic location: 22q11.21.
Variant type: single nucleotide variant.
Coding change: c.1168C>T on transcript NM_018943.3 (MANE Select); coding-DNA position 1168, C replaced by T.
Protein change: p.Arg390Cys; replaces arginine 390 with cysteine.
Molecular consequence: missense variant.
Genome position (GRCh38, 1-based): chr22:18,130,954, C>T. VCF-style: chr22-18130954-C-T. GRCh37 (hg19) VCF-style: chr22-18613721-C-T.
Other names: c.1168C>T (NM_018943.2); c.970C>T, p.Arg324Cys (NM_001193414.2); short protein forms R390C, R324C.
Identifiers: ClinVar variation 1978094 (VCV001978094.6), dbSNP rs374872598, ClinGen allele CA10093857.

ClinVar aggregate classification (germline): Uncertain significance. Review status: criteria provided, multiple submitters, no conflicts (2 of 4 stars). 2 submissions from 2 submitters: Uncertain significance (2). Last evaluated 2025-11-10.

Allele frequency attached by ClinVar (database versions not stated): ExAC 0.00003; TOPMed 0.00001; ESP Exome Variant Server 0.00008.
gnomAD v4.1: 12 of 1,614,092 alleles (0.00074%); highest among the groups gnomAD compares: Middle Eastern, 0.017%; no homozygotes.

Submissions (2):

Labcorp Genetics (formerly Invitae), Labcorp
Classification: Uncertain significance. Last evaluated: 2025-11-10. Review status: criteria provided, single submitter. Criteria: Invitae Variant Classification Sherloc (09022015). Collection method: clinical testing. Allele origin: germline.
Comment: This sequence change replaces arginine, which is basic and polar, with cysteine, which is neutral and slightly polar, at codon 390 of the TUBA8 protein (p.Arg390Cys). This variant is present in population databases (rs374872598, gnomAD 0.01%). This variant has not been reported in the literature in individuals affected with TUBA8-related conditions. ClinVar contains an entry for this variant (Variation ID: 1978094). Invitae Evidence Modeling of protein sequence and biophysical properties (such as structural, functional, and spatial information, amino acid conservation, physicochemical variation, residue mobility, and thermodynamic stability) indicates that this missense variant is expected to disrupt TUBA8 protein function with a positive predictive value of 80%. In summary, the available evidence is currently insufficient to determine the role of this variant in disease. Therefore, it has been classified as a Variant of Uncertain Significance.

Ambry Genetics
Classification: Uncertain significance. Last evaluated: 2025-03-15. Review status: criteria provided, single submitter. Criteria: Ambry Variant Classification Scheme 2023. Collection method: clinical testing. Allele origin: germline.